The following is an entry in ClinVar:

NM_004239.4(TRIP11):c.1409A>G (p.His470Arg)

Gene: TRIP11 (thyroid hormone receptor interactor 11; minus strand). Cytogenetic location: 14q32.12.
Variant type: single nucleotide variant.
Coding change: c.1409A>G on transcript NM_004239.4 (MANE Select); coding-DNA position 1409, A replaced by G.
Protein change: p.His470Arg; replaces histidine 470 with arginine.
Molecular consequence: missense variant.
Genome position (GRCh38, 1-based): chr14:92,007,758, T>C on the plus strand (A>G on the coding strand, the complement: TRIP11 is on the minus strand). VCF-style: chr14-92007758-T-C. GRCh37 (hg19) VCF-style: chr14-92474102-T-C.
Other names: c.1406A>G, p.His469Arg (NM_001321851.1); short protein forms H469R, H470R.
Identifiers: ClinVar variation 1413990 (VCV001413990.3), dbSNP rs769103968, ClinGen allele CA7313936.

ClinVar aggregate classification (germline): Uncertain significance (1 of 4 stars; one submission).

Conditions:
Achondrogenesis, type IA (ACG1A). Identifiers: Orphanet 932, Orphanet 93299, MedGen C0265273, MONDO:0008701, OMIM 200600.

Allele frequency attached by ClinVar (database versions not stated): gnomAD exomes below 0.00001; TOPMed below 0.00001; ExAC 0.00001.
gnomAD v4.1: 1 of 1,613,744 alleles (0.000062%); highest among the groups gnomAD compares: South Asian, 0.0011%; no homozygotes.

Submission:

Labcorp Genetics (formerly Invitae), Labcorp
Classification: Uncertain significance for Achondrogenesis, type IA. Last evaluated: 2022-08-16. Review status: criteria provided, single submitter. Criteria: Invitae Variant Classification Sherloc (09022015). Collection method: clinical testing. Allele origin: germline.
Comment: This sequence change replaces histidine, which is basic and polar, with arginine, which is basic and polar, at codon 470 of the TRIP11 protein (p.His470Arg). This variant is present in population databases (rs769103968, gnomAD 0.007%). This variant has not been reported in the literature in individuals affected with TRIP11-related conditions. ClinVar contains an entry for this variant (Variation ID: 1413990). Algorithms developed to predict the effect of missense changes on protein structure and function output the following: SIFT: "Not Available"; PolyPhen-2: "Benign"; Align-GVGD: "Not Available". The arginine amino acid residue is found in multiple mammalian species, which suggests that this missense change does not adversely affect protein function. In summary, the available evidence is currently insufficient to determine the role of this variant in disease. Therefore, it has been classified as a Variant of Uncertain Significance.